The following is an entry in ClinVar:

NM_001164688.2(RD3):c.113G>A (p.Arg38Gln)

Gene: RD3 (RD3 regulator of GUCY2D; minus strand). Cytogenetic location: 1q32.3.
Variant type: single nucleotide variant.
Coding change: c.113G>A on transcript NM_001164688.2 (MANE Select); coding-DNA position 113, G replaced by A.
Protein change: p.Arg38Gln; replaces arginine 38 with glutamine.
Molecular consequence: missense variant.
Genome position (GRCh38, 1-based): chr1:211,481,303, C>T on the plus strand (G>A on the coding strand, the complement: RD3 is on the minus strand). VCF-style: chr1-211481303-C-T. GRCh37 (hg19) VCF-style: chr1-211654645-C-T.
Other names: c.113G>A, p.Arg38Gln (NM_183059.3); short protein forms R38Q.
Identifiers: ClinVar variation 2190875 (VCV002190875.3), dbSNP rs766217814, ClinGen allele CA1381154.

ClinVar aggregate classification (germline): Uncertain significance. Review status: criteria provided, multiple submitters, no conflicts (2 of 4 stars). 2 submissions from 2 submitters: Uncertain significance (2). Last evaluated 2022-11-01.

Conditions:
Leber congenital amaurosis 12 (LCA12). Identifiers: Orphanet 65, MedGen C1857743, MONDO:0012525, OMIM 610612.

Allele frequency attached by ClinVar (database versions not stated): ExAC 0.00001; gnomAD 0.00001; TOPMed 0.00001.
gnomAD v4.1: 14 of 1,614,156 alleles (0.00087%); highest among the groups gnomAD compares: East Asian, 0.0022%; no homozygotes.

Submissions (2):

Labcorp Genetics (formerly Invitae), Labcorp
Classification: Uncertain significance for Leber congenital amaurosis 12. Last evaluated: 2022-11-01. Review status: criteria provided, single submitter. Criteria: Invitae Variant Classification Sherloc (09022015). Collection method: clinical testing. Allele origin: germline.
Comment: In summary, the available evidence is currently insufficient to determine the role of this variant in disease. Therefore, it has been classified as a Variant of Uncertain Significance. Algorithms developed to predict the effect of missense changes on protein structure and function are either unavailable or do not agree on the potential impact of this missense change (SIFT: "Deleterious"; PolyPhen-2: "Benign"; Align-GVGD: "Class C0"). This variant has not been reported in the literature in individuals affected with RD3-related conditions. This variant is present in population databases (rs766217814, gnomAD 0.003%). This sequence change replaces arginine, which is basic and polar, with glutamine, which is neutral and polar, at codon 38 of the RD3 protein (p.Arg38Gln).

Blueprint Genetics
Classification: Uncertain significance. Last evaluated: 2022-05-20. Review status: criteria provided, single submitter. Criteria: ACMG Guidelines, 2015. Collection method: clinical testing. Allele origin: germline.